The following is an entry in ClinVar:

NM_001035.3(RYR2):c.4243G>A (p.Asp1415Asn)

Gene: RYR2 (ryanodine receptor 2; plus strand). Cytogenetic location: 1q43.
Variant type: single nucleotide variant.
Coding change: c.4243G>A on transcript NM_001035.3 (MANE Select); coding-DNA position 4243, G replaced by A.
Protein change: p.Asp1415Asn; replaces aspartic acid 1415 with asparagine.
Molecular consequence: missense variant.
Genome position (GRCh38, 1-based): chr1:237,591,821, G>A. VCF-style: chr1-237591821-G-A. GRCh37 (hg19) VCF-style: chr1-237755121-G-A.
Other names: short protein forms D1415N.
Identifiers: ClinVar variation 4757978 (VCV004757978.1).

ClinVar aggregate classification (germline): Uncertain significance (1 of 4 stars; one submission).

Conditions:
Cardiomyopathy (CMYO). Also called: Cardiomyopathies. Identifiers: Orphanet 167848, MedGen C0878544, MONDO:0004994, HP:0001638. Inheritance: Various modes of inheritance.

Submission:

Color Diagnostics, LLC DBA Color Health
Classification: Uncertain significance for Cardiomyopathy. Last evaluated: 2025-08-26. Review status: criteria provided, single submitter. Criteria: ACMG Guidelines, 2015. Collection method: clinical testing. Allele origin: germline.
Comment: This missense variant replaces aspartic acid with asparagine at codon 1415 of the RYR2 protein. Computational prediction suggests that this variant may not impact protein structure and function. To our knowledge, functional studies have not been reported for this variant. This variant has not been reported in individuals affected with RYR2-related disorders in the literature. This variant has not been identified in the general population by the Genome Aggregation Database (gnomAD). The available evidence is insufficient to determine the role of this variant in disease conclusively. Therefore, this variant is classified as a Variant of Uncertain Significance.